The following is an entry in ClinVar:

NM_001379270.1(CNGA1):c.921C>G (p.Ile307Met)

Genes: CNGA1 (cyclic nucleotide gated channel subunit alpha 1; minus strand), LOC101927157 (uncharacterized LOC101927157; plus strand). Cytogenetic location: 4p12.
Variant type: single nucleotide variant.
Coding change: c.921C>G on transcript NM_001379270.1 (MANE Select); coding-DNA position 921, C replaced by G.
Protein change: p.Ile307Met; replaces isoleucine 307 with methionine.
Molecular consequence: missense variant.
Genome position (GRCh38, 1-based): chr4:47,937,561, G>C on the plus strand (C>G on the coding strand, the complement: CNGA1 is on the minus strand). VCF-style: chr4-47937561-G-C. GRCh37 (hg19) VCF-style: chr4-47939578-G-C.
Other names: c.921C>G, p.Ile307Met (NM_000087.5, NM_001142564.2); short protein forms I307M.
Identifiers: ClinVar variation 1498396 (VCV001498396.8), dbSNP rs2110130172, ClinGen allele CA356827896.

ClinVar aggregate classification (germline): Uncertain significance (1 of 4 stars; one submission).

Submission:

Labcorp Genetics (formerly Invitae), Labcorp
Classification: Uncertain significance. Last evaluated: 2022-02-08. Review status: criteria provided, single submitter. Criteria: Invitae Variant Classification Sherloc (09022015). Collection method: clinical testing. Allele origin: germline.
Comment: This variant has not been reported in the literature in individuals affected with CNGA1-related conditions. In summary, the available evidence is currently insufficient to determine the role of this variant in disease. Therefore, it has been classified as a Variant of Uncertain Significance. Algorithms developed to predict the effect of missense changes on protein structure and function are either unavailable or do not agree on the potential impact of this missense change (SIFT: "Deleterious"; PolyPhen-2: "Probably Damaging"; Align-GVGD: "Class C0"). This variant is not present in population databases (gnomAD no frequency). This sequence change replaces isoleucine, which is neutral and non-polar, with methionine, which is neutral and non-polar, at codon 311 of the CNGA1 protein (p.Ile311Met).